The following is an entry in ClinVar:

NM_000136.3(FANCC):c.948G>C (p.Gln316His)

Genes: AOPEP (aminopeptidase O (putative); plus strand), FANCC (FA complementation group C; minus strand). Cytogenetic location: 9q22.32.
Variant type: single nucleotide variant.
Coding change: c.948G>C on transcript NM_000136.3 (MANE Select); coding-DNA position 948, G replaced by C.
Protein change: p.Gln316His; replaces glutamine 316 with histidine.
Molecular consequence: missense variant.
Genome position (GRCh38, 1-based): chr9:95,125,134, C>G on the plus strand (G>C on the coding strand, the complement: FANCC is on the minus strand). VCF-style: chr9-95125134-C-G. GRCh37 (hg19) VCF-style: chr9-97887416-C-G.
Other names: c.948G>C, p.Gln316His (NM_001243743.2, NM_001243744.2); short protein forms Q316H.
Identifiers: ClinVar variation 449864 (VCV000449864.6), dbSNP rs1554832851, ClinGen allele CA374108908.
Genomic context (GRCh38, chr9:95,125,134, plus strand): 5'-GATATAACAAACCTGCTTGCTTGCTTTCTCCAGAGCTTCTACAAAGCACTGCGTAAACAC[C>G]TGAATAGTGGCTATGATTTCCAGGGCCCCATCGGTTTCCAGGAGTGCACACCTGAACAAT-3'
Protein context (NP_000127.2, residues 306-326): DGALEIIATI[Gln316His]VFTQCFVEAL

ClinVar aggregate classification (germline): Uncertain significance. Review status: criteria provided, multiple submitters, no conflicts (2 of 4 stars). 3 submissions from 3 submitters: Uncertain significance (2). 1 of the submissions does not count toward it. Last evaluated 2025-08-14.

Conditions:
Hereditary cancer-predisposing syndrome. Also called: Neoplastic Syndromes, Hereditary; Hereditary neoplastic syndrome; Hereditary Cancer Syndrome; Tumor predisposition. Identifiers: Orphanet 140162, MedGen C0027672, MeSH D009386, MONDO:0015356.
Fanconi anemia complementation group C (FANCC). Also called: FANCONI PANCYTOPENIA, TYPE 3; FACC; FANCC-Related Fanconi Anemia; Fanconi anemia, group C. Identifiers: Orphanet 84, MedGen C3468041, MONDO:0009213, OMIM 227645.

Allele frequency attached by ClinVar (database versions not stated): gnomAD exomes below 0.00001.
gnomAD v4.1: 1 of 1,614,204 alleles (0.000062%); highest among the groups gnomAD compares: Non-Finnish European, 0.000085%; no homozygotes.

Submissions (3):

Ambry Genetics
Classification: Uncertain significance for Hereditary cancer-predisposing syndrome. Last evaluated: 2025-08-14. Review status: criteria provided, single submitter. Criteria: Ambry Variant Classification Scheme 2023. Collection method: clinical testing. Allele origin: germline.
Comment: The p.Q316H variant (also known as c.948G>C), located in coding exon 9 of the FANCC gene, results from a G to C substitution at nucleotide position 948. The glutamine at codon 316 is replaced by histidine, an amino acid with highly similar properties. This amino acid position is conserved. In addition, the in silico prediction for this alteration is inconclusive. Since supporting evidence is limited at this time, the clinical significance of this alteration remains unclear.

GeneDx
Classification: Uncertain significance. Last evaluated: 2017-03-01. Review status: criteria provided, single submitter. Criteria: GeneDx Variant Classification (06012015). Collection method: clinical testing. Allele origin: germline. Affected: yes.
Comment: This variant is denoted FANCC c.948G>C at the cDNA level, p.Gln316His (Q316H) at the protein level, and results in the change of a Glutamine to a Histidine (CAG>CAC). This variant has not, to our knowledge, been published in the literature as pathogenic or benign. FANCC Gln316His was not observed in the Exome Aggregation Consortium (ExAC) database (Lek 2016). Since Glutamine and Histidine differ in some properties, this is considered a semi-conservative amino acid substitution. FANCC Gln316His occurs at a position that is conserved across species and is located within the Hsp70 binding region (Gordon 2000). In silico analyses are inconsistent regarding the effect this variant may have on protein structure and function. Based on currently available evidence, it is unclear whether FANCC Gln316His is a pathogenic or benign variant. We consider it to be a variant of uncertain significance.

Natera, Inc.
Classification: Uncertain significance for Fanconi anemia, group C. Last evaluated: 2020-09-16. Review status: no assertion criteria provided. Collection method: clinical testing. Allele origin: germline. Not counted in ClinVar's aggregate classification.